The following is an entry in ClinVar:

ClinVar aggregate classification (germline): Uncertain significance (1 of 4 stars; one submission).

Submission:

Labcorp Genetics (formerly Invitae), Labcorp
Classification: Uncertain significance. Last evaluated: 2023-09-04. Review status: criteria provided, single submitter. Criteria: Invitae Variant Classification Sherloc (09022015). Collection method: clinical testing. Allele origin: germline.
Comment: In summary, the available evidence is currently insufficient to determine the role of this variant in disease. Therefore, it has been classified as a Variant of Uncertain Significance. Algorithms developed to predict the effect of sequence changes on RNA splicing suggest that this variant may create or strengthen a splice site. An algorithm developed to predict the effect of missense changes on protein structure and function (PolyPhen-2) suggests that this variant is likely to be tolerated. This variant has not been reported in the literature in individuals affected with SLCO5A1-related conditions. This variant is not present in population databases (gnomAD no frequency). This sequence change replaces valine, which is neutral and non-polar, with leucine, which is neutral and non-polar, at codon 361 of the SLCO5A1 protein (p.Val361Leu).

NM_030958.3(SLCO5A1):c.1081G>T (p.Val361Leu)

Gene: SLCO5A1 (solute carrier organic anion transporter family member 5A1; minus strand). Cytogenetic location: 8q13.3.
Variant type: single nucleotide variant.
Coding change: c.1081G>T on transcript NM_030958.3 (MANE Select); coding-DNA position 1081, G replaced by T.
Protein change: p.Val361Leu; replaces valine 361 with leucine.
Molecular consequence: missense variant.
Genome position (GRCh38, 1-based): chr8:69,755,601, C>A on the plus strand (G>T on the coding strand, the complement: SLCO5A1 is on the minus strand). VCF-style: chr8-69755601-C-A. GRCh37 (hg19) VCF-style: chr8-70667836-C-A.
Other names: c.1081G>T, p.Val361Leu (NM_001146008.2, NM_001146009.1); short protein forms V361L.
Identifiers: ClinVar variation 2757886 (VCV002757886.3), dbSNP rs1817508981, ClinGen allele CA371235913.